The following is an entry in ClinVar:

ClinVar aggregate classification (germline): Uncertain significance (1 of 4 stars; one submission).

Allele frequency attached by ClinVar (database versions not stated): gnomAD exomes below 0.00001; TOPMed below 0.00001; gnomAD 0.00002.
gnomAD v4.1: 5 of 1,613,276 alleles (0.00031%); highest among the groups gnomAD compares: Admixed American, 0.0083%; no homozygotes.

Submission:

Labcorp Genetics (formerly Invitae), Labcorp
Classification: Uncertain significance. Last evaluated: 2025-06-01. Review status: criteria provided, single submitter. Criteria: Invitae Variant Classification Sherloc (09022015). Collection method: clinical testing. Allele origin: germline.
Comment: This sequence change replaces leucine, which is neutral and non-polar, with methionine, which is neutral and non-polar, at codon 473 of the PDE6B protein (p.Leu473Met). This variant is present in population databases (no rsID available, gnomAD 0.1%). This variant has not been reported in the literature in individuals affected with PDE6B-related conditions. ClinVar contains an entry for this variant (Variation ID: 1376858). Invitae Evidence Modeling of protein sequence and biophysical properties (such as structural, functional, and spatial information, amino acid conservation, physicochemical variation, residue mobility, and thermodynamic stability) has been performed for this missense variant. However, the output from this modeling did not meet the statistical confidence thresholds required to predict the impact of this variant on PDE6B protein function. In summary, the available evidence is currently insufficient to determine the role of this variant in disease. Therefore, it has been classified as a Variant of Uncertain Significance.

NM_000283.4(PDE6B):c.1417C>A (p.Leu473Met)

Gene: PDE6B (phosphodiesterase 6B; plus strand). Cytogenetic location: 4p16.3.
Variant type: single nucleotide variant.
Coding change: c.1417C>A on transcript NM_000283.4 (MANE Select); coding-DNA position 1417, C replaced by A.
Protein change: p.Leu473Met; replaces leucine 473 with methionine.
Molecular consequence: missense variant.
Genome position (GRCh38, 1-based): chr4:658,967, C>A. VCF-style: chr4-658967-C-A. GRCh37 (hg19) VCF-style: chr4-652756-C-A.
Other names: c.1417C>A, p.Leu473Met (NM_001145291.2); c.580C>A, p.Leu194Met (NM_001145292.2, NM_001350154.3, NM_001379246.1 and 1 more transcripts); c.262C>A, p.Leu88Met (NM_001350155.3); short protein forms L194M, L473M, L88M.
Identifiers: ClinVar variation 1376858 (VCV001376858.6), dbSNP rs1342420559, ClinGen allele CA355915322.